The following is an entry in ClinVar:

NM_000075.4(CDK4):c.904C>G (p.Pro302Ala)

Genes: CDK4 (cyclin dependent kinase 4; minus strand), TSPAN31 (tetraspanin 31; plus strand). Cytogenetic location: 12q14.1.
Variant type: single nucleotide variant.
Coding change: c.904C>G on transcript NM_000075.4 (MANE Select); coding-DNA position 904, C replaced by G.
Protein change: p.Pro302Ala; replaces proline 302 with alanine.
Molecular consequence: missense variant. On other transcripts: 3 prime UTR variant (3).
Genome position (GRCh38, 1-based): chr12:57,748,533, G>C on the plus strand (C>G on the coding strand, the complement: CDK4 is on the minus strand). VCF-style: chr12-57748533-G-C. GRCh37 (hg19) VCF-style: chr12-58142316-G-C.
Other names: c.*1243G>C (NM_001330168.2, NM_001330169.2, NM_005981.5); c.904C>G (NM_000075.3); short protein forms P302A.
Identifiers: ClinVar variation 1364093 (VCV001364093.10), dbSNP rs2140380962, ClinGen allele CA385542144.

ClinVar aggregate classification (germline): Conflicting classifications of pathogenicity. Review status: criteria provided, conflicting classifications (1 of 4 stars). 3 submissions from 3 submitters: Uncertain significance (2); Likely benign (1). Last evaluated 2025-12-15.

Conditions:
CDK4-related disorder. Also called: CDK4-related condition.
Familial melanoma. Also called: Hereditary melanoma; Hereditary cutaneous melanoma. Identifiers: Orphanet 618, MedGen C1512419, MONDO:0018961.
Hereditary cancer-predisposing syndrome. Also called: Hereditary Cancer Syndrome; Tumor predisposition; Neoplastic Syndromes, Hereditary; Hereditary neoplastic syndrome. Identifiers: Orphanet 140162, MedGen C0027672, MeSH D009386, MONDO:0015356.

Allele frequency attached by ClinVar (database versions not stated): gnomAD exomes below 0.00001.
gnomAD v4.1: 2 of 1,611,324 alleles (0.00012%); highest among the groups gnomAD compares: Non-Finnish European, 0.00017%; no homozygotes.

Submissions (3):

Ambry Genetics
Classification: Likely benign for Hereditary cancer-predisposing syndrome. Last evaluated: 2025-12-15. Review status: criteria provided, single submitter. Criteria: Ambry Variant Classification Scheme 2023. Collection method: clinical testing. Allele origin: germline.

PreventionGenetics, part of Exact Sciences
Classification: Uncertain significance for CDK4-related condition. Last evaluated: 2025-06-10. Review status: criteria provided, single submitter. Criteria: ACMG Guidelines, 2015. Collection method: clinical testing. Allele origin: germline.
Comment: The CDK4 c.904C>G variant is predicted to result in the amino acid substitution p.Pro302Ala. To our knowledge, this variant has not been reported in the literature or in a large population database (gnomAD), indicating this variant is rare. This variant is interpreted as variant of uncertain significance in ClinVar. At this time, the clinical significance of this variant is uncertain due to the absence of conclusive functional and genetic evidence.

Labcorp Genetics (formerly Invitae), Labcorp
Classification: Uncertain significance for Familial melanoma. Last evaluated: 2023-03-15. Review status: criteria provided, single submitter. Criteria: Invitae Variant Classification Sherloc (09022015). Collection method: clinical testing. Allele origin: germline.
Comment: ClinVar contains an entry for this variant (Variation ID: 1364093). In summary, the available evidence is currently insufficient to determine the role of this variant in disease. Therefore, it has been classified as a Variant of Uncertain Significance. Advanced modeling of protein sequence and biophysical properties (such as structural, functional, and spatial information, amino acid conservation, physicochemical variation, residue mobility, and thermodynamic stability) performed at Invitae indicates that this missense variant is not expected to disrupt CDK4 protein function. This variant has not been reported in the literature in individuals affected with CDK4-related conditions. This variant is not present in population databases (gnomAD no frequency). This sequence change replaces proline, which is neutral and non-polar, with alanine, which is neutral and non-polar, at codon 302 of the CDK4 protein (p.Pro302Ala).